The following is an entry in ClinVar:

ClinVar aggregate classification (germline): Uncertain significance. Review status: criteria provided, multiple submitters, no conflicts (2 of 4 stars). 2 submissions from 2 submitters: Uncertain significance (2). Last evaluated 2025-12-23.

Conditions:
Inborn genetic diseases. Identifiers: MedGen C0950123, MeSH D030342.

Allele frequency attached by ClinVar (database versions not stated): gnomAD 0.00001; gnomAD exomes 0.00001; TOPMed 0.00002.
gnomAD v4.1: 16 of 1,570,694 alleles (0.001%); highest among the groups gnomAD compares: Admixed American, 0.0019%; no homozygotes.

Submissions (2):

Labcorp Genetics (formerly Invitae), Labcorp
Classification: Uncertain significance. Last evaluated: 2025-12-23. Review status: criteria provided, single submitter. Criteria: Invitae Variant Classification Sherloc (09022015). Collection method: clinical testing. Allele origin: germline.
Comment: This sequence change replaces proline, which is neutral and non-polar, with serine, which is neutral and polar, at codon 2895 of the DCHS1 protein (p.Pro2895Ser). This variant is present in population databases (rs761448706, gnomAD 0.006%). This variant has not been reported in the literature in individuals affected with DCHS1-related conditions. ClinVar contains an entry for this variant (Variation ID: 1917227). Invitae Evidence Modeling of protein sequence and biophysical properties (such as structural, functional, and spatial information, amino acid conservation, physicochemical variation, residue mobility, and thermodynamic stability) indicates that this missense variant is expected to disrupt DCHS1 protein function with a positive predictive value of 80%. In summary, the available evidence is currently insufficient to determine the role of this variant in disease. Therefore, it has been classified as a Variant of Uncertain Significance.

Ambry Genetics
Classification: Uncertain significance for Inborn genetic diseases. Last evaluated: 2024-08-27. Review status: criteria provided, single submitter. Criteria: Ambry Variant Classification Scheme 2023. Collection method: clinical testing. Allele origin: germline.

NM_003737.4(DCHS1):c.8683C>T (p.Pro2895Ser)

Gene: DCHS1 (dachsous cadherin-related 1; minus strand). Cytogenetic location: 11p15.4.
Variant type: single nucleotide variant.
Coding change: c.8683C>T on transcript NM_003737.4 (MANE Select); coding-DNA position 8683, C replaced by T.
Protein change: p.Pro2895Ser; replaces proline 2895 with serine.
Molecular consequence: missense variant.
Genome position (GRCh38, 1-based): chr11:6,622,993, G>A on the plus strand (C>T on the coding strand, the complement: DCHS1 is on the minus strand). VCF-style: chr11-6622993-G-A. GRCh37 (hg19) VCF-style: chr11-6644224-G-A.
Other names: c.8683C>T (NM_003737.2); short protein forms P2895S.
Identifiers: ClinVar variation 1917227 (VCV001917227.6), dbSNP rs761448706, ClinGen allele CA5859377.